The following is an entry in ClinVar:

ClinVar aggregate classification (germline): Uncertain significance (1 of 4 stars; one submission).

Conditions:
Alkuraya-Kucinskas syndrome. Identifiers: Orphanet 610569, MedGen C4693347, MONDO:0060631, OMIM 617822.

gnomAD v4.1: 10 of 1,613,256 alleles (0.00062%); highest among the groups gnomAD compares: East Asian, 0.022%; no homozygotes.

Submission:

Juno Genomics, Hangzhou Juno Genomics, Inc
Classification: Uncertain significance for Alkuraya-Kucinskas syndrome. Review status: criteria provided, single submitter. Criteria: ACMG Guidelines, 2015. Collection method: clinical testing. Allele origin: germline.
Comment: Absent from controls (or at extremely low frequency if recessive) in Genome Aggregation Database.;Multiple lines of computational evidence support a deleterious effect on the gene or gene product.

NM_001384125.1(BLTP1):c.6001T>G (p.Leu2001Val)

Gene: BLTP1 (bridge-like lipid transfer protein family member 1; plus strand). Cytogenetic location: 4q27.
Variant type: single nucleotide variant.
Coding change: c.6001T>G on transcript NM_001384125.1 (MANE Select); coding-DNA position 6001, T replaced by G.
Protein change: p.Leu2001Val; replaces leucine 2001 with valine.
Molecular consequence: missense variant.
Genome position (GRCh38, 1-based): chr4:122,254,273, T>G. VCF-style: chr4-122254273-T-G. GRCh37 (hg19) VCF-style: chr4-123175428-T-G.
Other names: c.6001T>G, p.Leu2001Val (NM_015312.4); short protein forms L2001V.
Identifiers: ClinVar variation 5037989 (VCV005037989.2).